The following is an entry in ClinVar:

NM_032578.4(MYPN):c.720G>C (p.Gln240His)

Gene: MYPN (myopalladin; plus strand). Cytogenetic location: 10q21.3.
Variant type: single nucleotide variant.
Coding change: c.720G>C on transcript NM_032578.4 (MANE Select); coding-DNA position 720, G replaced by C.
Protein change: p.Gln240His; replaces glutamine 240 with histidine.
Molecular consequence: missense variant. On other transcripts: 5 prime UTR variant (1), non-coding transcript variant (1).
Genome position (GRCh38, 1-based): chr10:68,122,158, G>C. VCF-style: chr10-68122158-G-C. GRCh37 (hg19) VCF-style: chr10-69881915-G-C.
Other names: c.720G>C, p.Gln240His (NM_001256267.2); c.-403G>C (NM_001256268.2); short protein forms Q240H.
Identifiers: ClinVar variation 1020229 (VCV001020229.8), dbSNP rs2042254307, ClinGen allele CA377104978.

ClinVar aggregate classification (germline): Uncertain significance (1 of 4 stars; one submission).

Conditions:
Dilated cardiomyopathy 1KK (CMD1KK). Identifiers: Orphanet 154, Orphanet 75249, MedGen C3714995, MONDO:0014100, OMIM 615248.

Allele frequency attached by ClinVar (database versions not stated): gnomAD exomes below 0.00001.
gnomAD v4.1: 1 of 1,612,114 alleles (0.000062%); highest among the groups gnomAD compares: Non-Finnish European, 0.000085%; no homozygotes.

Submission:

Labcorp Genetics (formerly Invitae), Labcorp
Classification: Uncertain significance for Dilated cardiomyopathy 1KK. Last evaluated: 2020-03-19. Review status: criteria provided, single submitter. Criteria: Invitae Variant Classification Sherloc (09022015). Collection method: clinical testing. Allele origin: germline.
Comment: This variant is not present in population databases (ExAC no frequency). This variant has not been reported in the literature in individuals with MYPN-related conditions. Algorithms developed to predict the effect of missense changes on protein structure and function (SIFT, PolyPhen-2, Align-GVGD) all suggest that this variant is likely to be tolerated, but these predictions have not been confirmed by published functional studies and their clinical significance is uncertain. In summary, the available evidence is currently insufficient to determine the role of this variant in disease. Therefore, it has been classified as a Variant of Uncertain Significance. This sequence change replaces glutamine with histidine at codon 240 of the MYPN protein (p.Gln240His). The glutamine residue is weakly conserved and there is a small physicochemical difference between glutamine and histidine.